The following is an entry in ClinVar:

ClinVar aggregate classification (germline): Uncertain significance (1 of 4 stars; one submission).

Allele frequency attached by ClinVar (database versions not stated): gnomAD exomes below 0.00001.
gnomAD v4.1: 5 of 1,610,070 alleles (0.00031%); highest among the groups gnomAD compares: Admixed American, 0.0017%; no homozygotes.

Submission:

Labcorp Genetics (formerly Invitae), Labcorp
Classification: Uncertain significance. Last evaluated: 2024-10-15. Review status: criteria provided, single submitter. Criteria: Invitae Variant Classification Sherloc (09022015). Collection method: clinical testing. Allele origin: germline.
Comment: This sequence change replaces proline, which is neutral and non-polar, with alanine, which is neutral and non-polar, at codon 940 of the KIAA0556 protein (p.Pro940Ala). This variant is not present in population databases (gnomAD no frequency). This variant has not been reported in the literature in individuals affected with KIAA0556-related conditions. ClinVar contains an entry for this variant (Variation ID: 1960445). An algorithm developed to predict the effect of missense changes on protein structure and function outputs the following: PolyPhen-2: "Benign". The alanine amino acid residue is found in multiple mammalian species, which suggests that this missense change does not adversely affect protein function. In summary, the available evidence is currently insufficient to determine the role of this variant in disease. Therefore, it has been classified as a Variant of Uncertain Significance.

NM_015202.5(KATNIP):c.2818C>G (p.Pro940Ala)

Gene: KATNIP (katanin interacting protein; plus strand). Cytogenetic location: 16p12.1.
Variant type: single nucleotide variant.
Coding change: c.2818C>G on transcript NM_015202.5 (MANE Select); coding-DNA position 2818, C replaced by G.
Protein change: p.Pro940Ala; replaces proline 940 with alanine.
Molecular consequence: missense variant.
Genome position (GRCh38, 1-based): chr16:27,749,778, C>G. VCF-style: chr16-27749778-C-G. GRCh37 (hg19) VCF-style: chr16-27761099-C-G.
Other names: short protein forms P940A.
Identifiers: ClinVar variation 1960445 (VCV001960445.5), dbSNP rs2081428247, ClinGen allele CA395324955.
Genomic context (GRCh38, chr16:27,749,778, plus strand): 5'-CCGGGGGACATCCTGGATGAGCTCCTGCAGCAAAAGAGCAGCCGGCACAGCGACTTGCCC[C>G]CCTCCAAGAAGGGGGAGCAGCCAGGGCTGTCGAGAGGGCAGGATGGCTACTCTGGAGAGA-3'
Protein context (NP_056017.4, residues 930-950): QKSSRHSDLP[Pro940Ala]SKKGEQPGLS